The following is an entry in ClinVar:

ClinVar aggregate classification (germline): Pathogenic (1 of 4 stars; one submission).

Submission:

Labcorp Genetics (formerly Invitae), Labcorp
Classification: Pathogenic. Last evaluated: 2025-12-15. Review status: criteria provided, single submitter. Criteria: Invitae Variant Classification Sherloc (09022015). Collection method: clinical testing. Allele origin: germline.
Comment: This sequence change creates a premature translational stop signal (p.Gln1193*) in the SETD5 gene. It is expected to result in an absent or disrupted protein product. Loss-of-function variants in SETD5 are known to be pathogenic (PMID: 24680889). This variant is not present in population databases (gnomAD no frequency). This variant has not been reported in the literature in individuals affected with SETD5-related conditions. ClinVar contains an entry for this variant (Variation ID: 2758133). For these reasons, this variant has been classified as Pathogenic.

Literature cited by the submitters: PubMed 24680889.

NM_001080517.3(SETD5):c.3577C>T (p.Gln1193Ter)

Gene: SETD5 (SET domain containing 5; plus strand). Cytogenetic location: 3p25.3.
Variant type: single nucleotide variant.
Coding change: c.3577C>T on transcript NM_001080517.3 (MANE Select); coding-DNA position 3577, C replaced by T.
Protein change: p.Gln1193Ter; replaces glutamine 1193 with a stop codon.
Molecular consequence: nonsense.
Genome position (GRCh38, 1-based): chr3:9,474,528, C>T. VCF-style: chr3-9474528-C-T. GRCh37 (hg19) VCF-style: chr3-9516212-C-T.
Other names: c.3283C>T, p.Gln1095Ter (NM_001292043.2, NM_001349451.2); short protein forms Q1095*, Q1193*.
Identifiers: ClinVar variation 2758133 (VCV002758133.3), dbSNP rs2473932505, ClinGen allele CA351689171.